The following is an entry in ClinVar:

ClinVar aggregate classification (germline): Uncertain significance (1 of 4 stars; one submission).

Conditions:
Carnitine palmitoyl transferase 1A deficiency. Also called: Carnitine palmitoyltransferase 1A deficiency; CPT deficiency, hepatic, type IA; Carnitine palmitoyltransferase type I deficiency; CPT I DEFICIENCY; CPT DEFICIENCY, HEPATIC, TYPE I. Identifiers: Orphanet 156, MedGen C1829703, MONDO:0009705, OMIM 255120.

Submission:

Labcorp Genetics (formerly Invitae), Labcorp
Classification: Uncertain significance for Carnitine palmitoyl transferase 1A deficiency. Last evaluated: 2022-03-22. Review status: criteria provided, single submitter. Criteria: Invitae Variant Classification Sherloc (09022015). Collection method: clinical testing. Allele origin: germline.
Comment: This variant results in a copy number gain of the genomic region encompassing exon(s) 2-3 of the CPT1A gene. This region includes the initiator codon of the gene. This copy number gain extends beyond the assayed region for this gene and therefore may encompass additional genes. As the precise location of this event is unknown, it may be in tandem or it may be located elsewhere in the genome. This variant has not been reported in the literature in individuals affected with CPT1A-related conditions. In summary, the available evidence is currently insufficient to determine the role of this variant in disease. Therefore, it has been classified as a Variant of Uncertain Significance.

NC_000011.9:g.(?_68579885)_(68582942_?)dup

Gene: CPT1A (carnitine palmitoyltransferase 1A; minus strand). Cytogenetic location: 11q13.3.
Variant type: Duplication.
Identifiers: ClinVar variation 2424296 (VCV002424296.3).